The following is an entry in ClinVar:

NM_007208.4(MRPL3):c.102C>G (p.Ile34Met)

Gene: MRPL3 (mitochondrial ribosomal protein L3; minus strand). Cytogenetic location: 3q22.1.
Variant type: single nucleotide variant.
Coding change: c.102C>G on transcript NM_007208.4 (MANE Select); coding-DNA position 102, C replaced by G.
Protein change: p.Ile34Met; replaces isoleucine 34 with methionine.
Molecular consequence: missense variant.
Genome position (GRCh38, 1-based): chr3:131,501,706, G>C on the plus strand (C>G on the coding strand, the complement: MRPL3 is on the minus strand). VCF-style: chr3-131501706-G-C. GRCh37 (hg19) VCF-style: chr3-131220550-G-C.
Other names: short protein forms I34M.
Identifiers: ClinVar variation 1339591 (VCV001339591.3), dbSNP rs79534309, ClinGen allele CA2617228.
Genomic context (GRCh38, chr3:131,501,706, plus strand): 5'-AGAAAGATGCTCATCCCACCATGTACCACTCTTTCCATGAAGACCTCTAACAAAAAGCCA[G>C]ATGTGTGTTCTATAAAAAGAAAAAATAAATAAAACCAAACCACAATTTAAAAACTTCCTC-3'
Protein context (NP_009139.1, residues 24-44): AALGPGNRTH[Ile34Met]WLFVRGLHGK

ClinVar aggregate classification (germline): Uncertain significance (1 of 4 stars; one submission).

gnomAD v4.1: 175 of 1,610,632 alleles (0.011%); highest among the groups gnomAD compares: Non-Finnish European, 0.015%; no homozygotes.

Submission:

GeneDx
Classification: Uncertain significance. Last evaluated: 2024-04-02. Review status: criteria provided, single submitter. Criteria: GeneDx Variant Classification Process June 2021. Collection method: clinical testing. Allele origin: germline. Affected: yes.
Comment: In silico analysis supports that this missense variant does not alter protein structure/function; Has not been previously published as pathogenic or benign to our knowledge